The following is an entry in ClinVar:

NM_031443.4(CCM2):c.31-1G>C

Gene: CCM2 (CCM2 scaffold protein; plus strand). Cytogenetic location: 7p13.
Variant type: single nucleotide variant.
Coding change: c.31-1G>C on transcript NM_031443.4 (MANE Select); the canonical splice acceptor site of the intron before coding-DNA position 31, G replaced by C.
Molecular consequence: splice acceptor variant. On other transcripts: intron variant (2).
Genome position (GRCh38, 1-based): chr7:45,038,252, G>C. VCF-style: chr7-45038252-G-C. GRCh37 (hg19) VCF-style: chr7-45077851-G-C.
Other names: c.31-1G>C (NM_001363458.2, NM_001167935.2); c.31-25666G>C (NM_001363459.2, NM_001167934.2); c.94-1G>C (NM_001029835.2).
Identifiers: ClinVar variation 2702639 (VCV002702639.3), dbSNP rs2485984699, ClinGen allele CA367426507.

ClinVar aggregate classification (germline): Likely pathogenic (1 of 4 stars; one submission).

Conditions:
Cerebral cavernous malformation 2. Also called: Familial Cerebral Cavernous Malformation 2. Identifiers: Orphanet 221061, MedGen C1864041, MONDO:0011304, OMIM 603284.

Submission:

Labcorp Genetics (formerly Invitae), Labcorp
Classification: Likely pathogenic for Cerebral cavernous malformation 2. Last evaluated: 2023-12-13. Review status: criteria provided, single submitter. Criteria: Invitae Variant Classification Sherloc (09022015). Collection method: clinical testing. Allele origin: germline.
Comment: This sequence change affects an acceptor splice site in intron 1 of the CCM2 gene. It is expected to disrupt RNA splicing. Variants that disrupt the donor or acceptor splice site typically lead to a loss of protein function (PMID: 16199547), and loss-of-function variants in CCM2 are known to be pathogenic (PMID: 18300272, 24689081). This variant is not present in population databases (gnomAD no frequency). This variant has not been reported in the literature in individuals affected with CCM2-related conditions. Algorithms developed to predict the effect of sequence changes on RNA splicing suggest that this variant may disrupt the consensus splice site. In summary, the currently available evidence indicates that the variant is pathogenic, but additional data are needed to prove that conclusively. Therefore, this variant has been classified as Likely Pathogenic.

Literature cited by the submitters: PubMed 16199547; PubMed 18300272; PubMed 24689081.